The following is an entry in ClinVar:

Conditions:
Breast-ovarian cancer, familial, susceptibility to, 1 (BROVCA1). Also called: BRCA1 Hereditary Breast and Ovarian Cancer; OVARIAN CANCER, SUSCEPTIBILITY TO. Identifiers: Orphanet 145, MedGen C2676676, MONDO:0011450, OMIM 604370. Disease mechanism: loss of function.

Submission:

Brotman Baty Institute, University of Washington
No classification provided (evidence only). Condition: Breast-ovarian cancer, familial 1. Review status: no classification provided. Collection method: in vitro. Allele origin: not applicable. Functional consequence: functionally_normal.
ClinVar note: "not provided" was previously submitted as the classification for the variant. However, the classification appeared to be based only on an observation of functional data so it was converted to no classification on 2025-07-30.

NM_007294.4(BRCA1):c.5193+6T>G

Gene: BRCA1 (BRCA1 DNA repair associated; minus strand). Cytogenetic location: 17q21.31.
Variant type: single nucleotide variant.
Coding change: c.5193+6T>G on transcript NM_007294.4 (MANE Select); 6 bases into the intron after coding-DNA position 5193, T replaced by G.
Molecular consequence: intron variant.
Genome position (GRCh38, 1-based): chr17:43,063,327, A>C on the plus strand (T>G on the coding strand, the complement: BRCA1 is on the minus strand). VCF-style: chr17-43063327-A-C. GRCh37 (hg19) VCF-style: chr17-41215344-A-C.
Other names: c.1740+6T>G (NM_001408458.1, NM_001408461.1, NM_001408464.1 and 7 more transcripts); c.4302+6T>G (NM_001407967.1); c.4812+6T>G (NM_001407959.1); c.4926+6T>G (NM_001407931.1, NM_001407932.1, NM_001407928.1 and 4 more transcripts); c.5049+6T>G (NM_001407747.1, NM_001407745.1, NM_001407737.1 and 21 more transcripts); c.4809+6T>G (NM_001407962.1, NM_001407960.1); c.1380+6T>G (NM_001408512.1); c.1503+6T>G (NM_001408510.1); and 72 more.
Identifiers: ClinVar variation 865110 (VCV000865110.3), dbSNP rs1555578283, ClinGen allele CA916080033.